The following is an entry in ClinVar:

ClinVar aggregate classification (germline): Uncertain significance. Review status: criteria provided, multiple submitters, no conflicts (2 of 4 stars). 2 submissions from 2 submitters: Uncertain significance (2). Last evaluated 2025-10-28.

Allele frequency attached by ClinVar (database versions not stated): gnomAD 0.00003; gnomAD exomes 0.00005; ExAC 0.00011; TOPMed 0.00010.
gnomAD v4.1: 33 of 1,572,362 alleles (0.0021%); highest among the groups gnomAD compares: Admixed American, 0.063%; no homozygotes.

Submissions (2):

Ambry Genetics
Classification: Uncertain significance. Last evaluated: 2025-10-28. Review status: criteria provided, single submitter. Criteria: Ambry Variant Classification Scheme 2023. Collection method: clinical testing. Allele origin: germline.

Labcorp Genetics (formerly Invitae), Labcorp
Classification: Uncertain significance. Last evaluated: 2025-01-28. Review status: criteria provided, single submitter. Criteria: Invitae Variant Classification Sherloc (09022015). Collection method: clinical testing. Allele origin: germline.
Comment: This sequence change replaces valine, which is neutral and non-polar, with isoleucine, which is neutral and non-polar, at codon 1075 of the BUB1 protein (p.Val1075Ile). This variant is present in population databases (rs760001777, gnomAD 0.08%), and has an allele count higher than expected for a pathogenic variant. This variant has not been reported in the literature in individuals affected with BUB1-related conditions. ClinVar contains an entry for this variant (Variation ID: 2464571). Experimental studies and prediction algorithms are not available or were not evaluated, and the functional significance of this variant is currently unknown. In summary, the available evidence is currently insufficient to determine the role of this variant in disease. Therefore, it has been classified as a Variant of Uncertain Significance.

NM_004336.5(BUB1):c.3223G>A (p.Val1075Ile)

Gene: BUB1 (BUB1 mitotic checkpoint serine/threonine kinase; minus strand). Cytogenetic location: 2q13.
Variant type: single nucleotide variant.
Coding change: c.3223G>A on transcript NM_004336.5 (MANE Select); coding-DNA position 3223, G replaced by A.
Protein change: p.Val1075Ile; replaces valine 1075 with isoleucine.
Molecular consequence: missense variant.
Genome position (GRCh38, 1-based): chr2:110,637,999, C>T on the plus strand (G>A on the coding strand, the complement: BUB1 is on the minus strand). VCF-style: chr2-110637999-C-T. GRCh37 (hg19) VCF-style: chr2-111395576-C-T.
Other names: c.3163G>A, p.Val1055Ile (NM_001278616.2); c.3052G>A, p.Val1018Ile (NM_001278617.2); short protein forms V1018I, V1055I, V1075I.
Identifiers: ClinVar variation 2464571 (VCV002464571.5), dbSNP rs760001777, ClinGen allele CA1827618.